The following is an entry in ClinVar:

ClinVar aggregate classification (germline): Uncertain significance (1 of 4 stars; one submission).

Conditions:
Progressive microcephaly-seizures-cortical blindness-developmental delay syndrome. Also called: Seizures, cortical blindness, and microcephaly syndrome. Identifiers: Orphanet 477814, MedGen C5567650, MONDO:0014714, OMIM 616632.
Autosomal dominant nonsyndromic hearing loss 1. Also called: DEAFNESS, AUTOSOMAL DOMINANT 1, WITH OR WITHOUT THROMBOCYTOPENIA; KONIGSMARK SYNDROME. Identifiers: Orphanet 90635, MedGen C1852282, MONDO:0007424, OMIM 124900.

Submission:

Labcorp Genetics (formerly Invitae), Labcorp
Classification: Uncertain significance for Progressive microcephaly-seizures-cortical blindness-developmental delay syndrome; Autosomal dominant nonsyndromic hearing loss 1. Last evaluated: 2025-10-21. Review status: criteria provided, single submitter. Criteria: Invitae Variant Classification Sherloc (09022015). Collection method: clinical testing. Allele origin: germline.
Comment: This sequence change replaces isoleucine, which is neutral and non-polar, with valine, which is neutral and non-polar, at codon 663 of the DIAPH1 protein (p.Ile663Val). This variant is not present in population databases (gnomAD no frequency). This variant has not been reported in the literature in individuals affected with DIAPH1-related conditions. An algorithm developed to predict the effect of missense changes on protein structure and function outputs the following: PolyPhen-2: "Not Available". The valine amino acid residue is found in multiple mammalian species, which suggests that this missense change does not adversely affect protein function. In summary, the available evidence is currently insufficient to determine the role of this variant in disease. Therefore, it has been classified as a Variant of Uncertain Significance.

NM_005219.5(DIAPH1):c.1987A>G (p.Ile663Val)

Gene: DIAPH1 (diaphanous related formin 1; minus strand). Cytogenetic location: 5q31.3.
Variant type: single nucleotide variant.
Coding change: c.1987A>G on transcript NM_005219.5 (MANE Select); coding-DNA position 1987, A replaced by G.
Protein change: p.Ile663Val; replaces isoleucine 663 with valine.
Molecular consequence: missense variant.
Genome position (GRCh38, 1-based): chr5:141,573,863, T>C on the plus strand (A>G on the coding strand, the complement: DIAPH1 is on the minus strand). VCF-style: chr5-141573863-T-C. GRCh37 (hg19) VCF-style: chr5-140953430-T-C.
Other names: c.1960A>G, p.Ile654Val (NM_001079812.3); c.1987A>G, p.Ile663Val (NM_001314007.2); short protein forms I654V, I663V.
Identifiers: ClinVar variation 4786491 (VCV004786491.1).